The following is an entry in ClinVar:

NM_007294.4(BRCA1):c.779dup (p.Tyr261fs)

Gene: BRCA1 (BRCA1 DNA repair associated; minus strand). Cytogenetic location: 17q21.31.
Variant type: Duplication.
Coding change: c.779dup on transcript NM_007294.4 (MANE Select); coding-DNA position 779, one base duplicated (A; older notation c.779dupA).
Protein change: p.Tyr261fs; shifts the reading frame from tyrosine 261.
Molecular consequence: frameshift variant. On other transcripts: non-coding transcript variant (1).
Genome position (GRCh38, 1-based): chr17:43,094,752, T duplicated on the plus strand (A on the coding strand, the reverse complement: BRCA1 is on the minus strand); the first of 4 consecutive T bases (chr17:43,094,752-43,094,755); duplicating any one gives the same sequence. VCF-style (leftmost placement, unchanged base first): chr17-43094751-C-CT. GRCh37 (hg19) VCF-style: chr17-41246768-C-CT.
Other names: c.779dupA (NM_007294.3); c.653dup, p.Tyr220Valfs (NM_001407675.1, NM_001407676.1, NM_001407677.1 and 34 more transcripts); c.776dup, p.Tyr261Valfs (NM_001407684.1, NM_001407854.1, NM_001407858.1 and 52 more transcripts); c.650dup, p.Tyr219Valfs (NM_001407685.1, NM_001407686.1, NM_001407687.1 and 20 more transcripts); c.635dup, p.Tyr214Valfs (NM_001407692.1, NM_001407694.1, NM_001407695.1 and 42 more transcripts); c.632dup, p.Tyr213Valfs (NM_001407740.1, NM_001407741.1, NM_001407742.1 and 26 more transcripts); c.563dup, p.Tyr190Valfs (NM_001407853.1, NM_001407894.1, NM_001407895.1 and 12 more transcripts); c.773dup, p.Tyr260Valfs (NM_001407860.1, NM_001407861.1, NM_001407587.1 and 38 more transcripts); and 18 more; short protein forms Y214fs, Y261fs.
Identifiers: ClinVar variation 580680 (VCV000580680.14), dbSNP rs886040317, ClinGen allele CA891844213.

ClinVar aggregate classification (germline): Pathogenic. Review status: criteria provided, multiple submitters, no conflicts (2 of 4 stars). 4 submissions from 4 submitters: Pathogenic (4). Last evaluated 2025-02-13.

Conditions:
Hereditary breast ovarian cancer syndrome. Also called: Hereditary breast and ovarian cancer; Hereditary breast and ovarian cancer syndrome; Hereditary breast and ovarian cancer syndrome (HBOC); Breast and ovarian cancer; BRCA1- and BRCA2-Associated Hereditary Breast and Ovarian Cancer; Hereditary breast and/or ovarian cancer syndrome. Identifiers: Orphanet 145, MedGen C0677776, MeSH D061325, MONDO:0003582. Disease mechanism: loss of function.
Breast-ovarian cancer, familial, susceptibility to, 1 (BROVCA1). Also called: BRCA1 Hereditary Breast and Ovarian Cancer; OVARIAN CANCER, SUSCEPTIBILITY TO. Identifiers: Orphanet 145, MedGen C2676676, MONDO:0011450, OMIM 604370. Disease mechanism: loss of function.
Familial cancer of breast. Also called: hereditary breast carcinoma; BREAST CANCER, FAMILIAL; Hereditary breast cancer. Identifiers: Orphanet 227535, MedGen C0346153, MONDO:0016419, OMIM 114480. Disease mechanism: loss of function.
Fanconi anemia, complementation group S (FANCS). Identifiers: MedGen C4554406, MONDO:0054748, OMIM 617883.
Pancreatic cancer, susceptibility to, 4. Identifiers: Orphanet 1333, MedGen C3280442, MONDO:0013685, OMIM 614320.

Submissions (4):

GeneDx
Classification: Pathogenic. Last evaluated: 2025-02-13. Review status: criteria provided, single submitter. Criteria: GeneDx Variant Classification Process June 2021. Collection method: clinical testing. Allele origin: germline. Affected: yes.
Comment: Frameshift variant predicted to result in protein truncation or nonsense mediated decay in a gene for which loss of function is a known mechanism of disease; Observed in individuals with personal and family history of BRCA1-related cancer (PMID: 26911350); Not observed at significant frequency in large population cohorts (gnomAD); Truncating variants in this gene are considered pathogenic by a well-established clinical consortium and/or database; Also known as 898dup; This variant is associated with the following publications: (PMID: 29470806, 26911350)

Fulgent Genetics
Classification: Pathogenic for Breast-ovarian cancer, familial, susceptibility to, 1; Pancreatic cancer, susceptibility to, 4; Fanconi anemia, complementation group S. Last evaluated: 2024-04-08. Review status: criteria provided, single submitter. Criteria: ACMG Guidelines, 2015. Collection method: clinical testing. Allele origin: germline.

Labcorp Genetics (formerly Invitae), Labcorp
Classification: Pathogenic for Hereditary breast ovarian cancer syndrome. Last evaluated: 2022-03-25. Review status: criteria provided, single submitter. Criteria: Invitae Variant Classification Sherloc (09022015). Collection method: clinical testing. Allele origin: germline.
Comment: This sequence change creates a premature translational stop signal (p.Tyr261Valfs*4) in the BRCA1 gene. It is expected to result in an absent or disrupted protein product. Loss-of-function variants in BRCA1 are known to be pathogenic (PMID: 20104584). ClinVar contains an entry for this variant (Variation ID: 580680). For these reasons, this variant has been classified as Pathogenic. This premature translational stop signal has been observed in individual(s) with breast and/or ovarian cancer (PMID: 26911350). This variant is not present in population databases (gnomAD no frequency).

Department of Pathology and Laboratory Medicine, Sinai Health System
Classification: Pathogenic for Familial cancer of breast; Breast-ovarian cancer, familial, susceptibility to, 1; Fanconi anemia, complementation group S. Last evaluated: 2020-01-31. Review status: criteria provided, single submitter. Criteria: ACMG Guidelines, 2015. Collection method: clinical testing. Allele origin: germline. Affected: no.

Literature cited by the submitters: PubMed 20104584 (cited by Labcorp Genetics (formerly Invitae), Labcorp); PubMed 26911350 (cited by Labcorp Genetics (formerly Invitae), Labcorp and Department of Pathology and Laboratory Medicine, Sinai Health System).